The following is an entry in ClinVar:

ClinVar aggregate classification (germline): Uncertain significance (1 of 4 stars; one submission).

Submission:

Ambry Genetics
Classification: Uncertain significance. Last evaluated: 2026-02-16. Review status: criteria provided, single submitter. Criteria: Ambry Variant Classification Scheme 2023. Collection method: clinical testing. Allele origin: germline.
Comment: The c.605C>T (p.P202L) alteration is located in exon 2 (coding exon 2) of the TPRX1 gene. This alteration results from a C to T substitution at nucleotide position 605, causing the proline (P) at amino acid position 202 to be replaced by a leucine (L). Based on data from gnomAD, the T allele has an overall frequency of 0.001% (1/151704) total alleles studied. The highest observed frequency was 0.004% (1/24666) of Latino alleles. Based on insufficient or conflicting evidence, the clinical significance of this alteration remains unclear.

NM_001397346.1(TPRX1):c.770C>T (p.Pro257Leu)

Gene: TPRX1 (tetrapeptide repeat homeobox 1; minus strand). Cytogenetic location: 19q13.33.
Variant type: single nucleotide variant.
Coding change: c.770C>T on transcript NM_001397346.1 (MANE Select); coding-DNA position 770, C replaced by T.
Protein change: p.Pro257Leu; replaces proline 257 with leucine.
Molecular consequence: missense variant.
Genome position (GRCh38, 1-based): chr19:47,802,406, G>A on the plus strand (C>T on the coding strand, the complement: TPRX1 is on the minus strand). VCF-style: chr19-47802406-G-A. GRCh37 (hg19) VCF-style: chr19-48305663-G-A.
Other names: c.896C>T, p.Pro299Leu (NM_198479.3); short protein forms P299L, P257L.
Identifiers: ClinVar variation 4830423 (VCV004830423.1).